The following is an entry in ClinVar:

NM_152753.4(SCUBE3):c.2462C>T (p.Pro821Leu)

Gene: SCUBE3 (signal peptide, CUB domain and EGF like domain containing 3; plus strand). Cytogenetic location: 6p21.31.
Variant type: single nucleotide variant.
Coding change: c.2462C>T on transcript NM_152753.4 (MANE Select); coding-DNA position 2462, C replaced by T.
Protein change: p.Pro821Leu; replaces proline 821 with leucine.
Molecular consequence: missense variant.
Genome position (GRCh38, 1-based): chr6:35,245,288, C>T. VCF-style: chr6-35245288-C-T. GRCh37 (hg19) VCF-style: chr6-35213065-C-T.
Other names: c.2459C>T, p.Pro820Leu (NM_001303136.2); short protein forms P821L, P820L.
Identifiers: ClinVar variation 161817 (VCV000161817.2), dbSNP rs193920941, ClinGen allele CA174841.

ClinVar aggregate classification (germline): Uncertain significance (0 of 4 stars; one submission).

Conditions:
Prostate cancer. Also called: Malignant tumor of prostate. Identifiers: Orphanet 1331, MedGen C0376358, MONDO:0008315, HP:0012125.

Submission:

Science for Life laboratory,  Karolinska Institutet
Classification: Uncertain significance for Malignant tumor of prostate. Review status: no assertion criteria provided. Collection method: not provided. Allele origin: somatic.
Comment: TumorID:SWE-2
ClinVar note: Converted during submission from Unknown to Uncertain significance.